The following is an entry in ClinVar:

ClinVar aggregate classification (germline): Uncertain significance (1 of 4 stars; one submission).

Submission:

GeneDx
Classification: Uncertain significance. Last evaluated: 2023-12-04. Review status: criteria provided, single submitter. Criteria: GeneDx Variant Classification Process June 2021. Collection method: clinical testing. Allele origin: germline. Affected: yes.
Comment: Not observed at significant frequency in large population cohorts (gnomAD); In silico analysis supports that this missense variant has a deleterious effect on protein structure/function; Has not been previously published as pathogenic or benign to our knowledge; This variant is associated with the following publications: (PMID: 22419737, 19782031)

NM_007194.4(CHEK2):c.527G>T (p.Gly176Val)

Gene: CHEK2 (checkpoint kinase 2; minus strand). Cytogenetic location: 22q12.1.
Variant type: single nucleotide variant.
Coding change: c.527G>T on transcript NM_007194.4 (MANE Select); coding-DNA position 527, G replaced by T.
Protein change: p.Gly176Val; replaces glycine 176 with valine.
Molecular consequence: missense variant. On other transcripts: 5 prime UTR variant (2), intron variant (1).
Genome position (GRCh38, 1-based): chr22:28,725,042, C>A on the plus strand (G>T on the coding strand, the complement: CHEK2 is on the minus strand). VCF-style: chr22-28725042-C-A. GRCh37 (hg19) VCF-style: chr22-29121030-C-A.
Other names: c.656G>T, p.Gly219Val (NM_001005735.3, NM_001438294.1); c.-251G>T (NM_001257387.3); c.-137G>T (NM_001437942.1); c.620G>T, p.Gly207Val (NM_001438293.1, NM_001438295.1); c.527G>T, p.Gly176Val (NM_145862.3); c.445-119G>T (NM_001349956.3); short protein forms G176V, G219V, G207V.
Identifiers: ClinVar variation 3363737 (VCV003363737.1).